The following is an entry in ClinVar:

NM_058216.3(RAD51C):c.1027-17T>C

Gene: RAD51C (RAD51 paralog C; plus strand). Cytogenetic location: 17q22.
Variant type: single nucleotide variant.
Coding change: c.1027-17T>C on transcript NM_058216.3 (MANE Select); 17 bases into the intron before coding-DNA position 1027, T replaced by C.
Molecular consequence: intron variant.
Genome position (GRCh38, 1-based): chr17:58,734,101, T>C. VCF-style: chr17-58734101-T-C. GRCh37 (hg19) VCF-style: chr17-56811462-T-C.
Other names: c.1027-17T>C (LRG_314t1).
Identifiers: ClinVar variation 381893 (VCV000381893.12), dbSNP rs998655673, ClinGen allele CA16607395.

ClinVar aggregate classification (germline): Likely benign. Review status: criteria provided, multiple submitters, no conflicts (2 of 4 stars). 4 submissions from 4 submitters: Likely benign (4). Last evaluated 2026-02-03.

Conditions:
Hereditary cancer-predisposing syndrome. Also called: Hereditary neoplastic syndrome; Tumor predisposition; Neoplastic Syndromes, Hereditary; Hereditary Cancer Syndrome. Identifiers: Orphanet 140162, MedGen C0027672, MeSH D009386, MONDO:0015356.
Fanconi anemia complementation group O. Also called: RAD51C-Related Fanconi Anemia. Identifiers: Orphanet 84, MedGen C3150653, MONDO:0013248, OMIM 613390.
Breast-ovarian cancer, familial, susceptibility to, 3. Also called: RAD51C-Related Breast/Ovarian Cancer. Identifiers: Orphanet 145, MedGen C3150659, MONDO:0013253, OMIM 613399.

Allele frequency attached by ClinVar (database versions not stated): gnomAD exomes below 0.00001.
gnomAD v4.1: 5 of 1,604,092 alleles (0.00031%); highest among the groups gnomAD compares: South Asian, 0.0056%; no homozygotes.

Submissions (4):

Labcorp Genetics (formerly Invitae), Labcorp
Classification: Likely benign for Fanconi anemia complementation group O. Last evaluated: 2026-02-03. Review status: criteria provided, single submitter. Criteria: Invitae Variant Classification Sherloc (09022015). Collection method: clinical testing. Allele origin: germline.

Myriad Genetics, Inc.
Classification: Likely benign for Breast-ovarian cancer, familial, susceptibility to, 3. Last evaluated: 2025-02-19. Review status: criteria provided, single submitter. Criteria: Myriad Autosomal Dominant, Autosomal Recessive and X-Linked Classification Criteria (2023). Collection method: clinical testing. Allele origin: unknown.
Comment: This variant is considered likely benign. This variant is intronic and is not expected to impact mRNA splicing.

Color Diagnostics, LLC DBA Color Health
Classification: Likely benign for Hereditary cancer-predisposing syndrome. Last evaluated: 2019-06-18. Review status: criteria provided, single submitter. Criteria: ACMG Guidelines, 2015. Collection method: clinical testing. Allele origin: germline.

GeneDx
Classification: Likely benign. Last evaluated: 2015-11-18. Review status: criteria provided, single submitter. Criteria: GeneDx Variant Classification (06012015). Collection method: clinical testing. Allele origin: germline. Affected: yes.
Comment: This variant is considered likely benign or benign based on one or more of the following criteria: it is a conservative change, it occurs at a poorly conserved position in the protein, it is predicted to be benign by multiple in silico algorithms, and/or has population frequency not consistent with disease.